The following is an entry in ClinVar:

ClinVar aggregate classification (germline): Uncertain significance. Review status: criteria provided, multiple submitters, no conflicts (2 of 4 stars). 2 submissions from 2 submitters: Uncertain significance (2). Last evaluated 2024-10-17.

Conditions:
Usher syndrome type 3B. Also called: USHER SYNDROME, TYPE IIIB. Identifiers: MedGen C3281066, MONDO:0013788, OMIM 614504.

gnomAD v4.1: 3 of 1,614,286 alleles (0.00019%); highest among the groups gnomAD compares: Non-Finnish European, 0.00017%; no homozygotes.

Submissions (2):

Labcorp Genetics (formerly Invitae), Labcorp
Classification: Uncertain significance for Usher syndrome type 3B. Last evaluated: 2024-10-17. Review status: criteria provided, single submitter. Criteria: Invitae Variant Classification Sherloc (09022015). Collection method: clinical testing. Allele origin: germline.
Comment: This sequence change creates a premature translational stop signal (p.Glu350*) in the HARS gene. It is expected to result in an absent or disrupted protein product. However, the current clinical and genetic evidence is not sufficient to establish whether loss-of-function variants in HARS cause disease. This variant is not present in population databases (gnomAD no frequency). This variant has not been reported in the literature in individuals affected with HARS-related conditions. In summary, the available evidence is currently insufficient to determine the role of this variant in disease. Therefore, it has been classified as a Variant of Uncertain Significance.

Blueprint Genetics
Classification: Uncertain significance. Last evaluated: 2019-09-26. Review status: criteria provided, single submitter. Criteria: ACMG Guidelines, 2015. Collection method: clinical testing. Allele origin: germline.

NM_002109.6(HARS1):c.1048G>T (p.Glu350Ter)

Gene: HARS1 (histidyl-tRNA synthetase 1; minus strand). Cytogenetic location: 5q31.3.
Variant type: single nucleotide variant.
Coding change: c.1048G>T on transcript NM_002109.6 (MANE Select); coding-DNA position 1048, G replaced by T.
Protein change: p.Glu350Ter; replaces glutamic acid 350 with a stop codon.
Molecular consequence: nonsense.
Genome position (GRCh38, 1-based): chr5:140,676,800, C>A on the plus strand (G>T on the coding strand, the complement: HARS1 is on the minus strand). VCF-style: chr5-140676800-C-A. GRCh37 (hg19) VCF-style: chr5-140056385-C-A.
Other names: c.928G>T, p.Glu310Ter (NM_001258040.3); c.988G>T, p.Glu330Ter (NM_001258041.3); c.868G>T, p.Glu290Ter (NM_001258042.3); c.826G>T, p.Glu276Ter (NM_001289092.2); c.706G>T, p.Glu236Ter (NM_001289093.2); c.961G>T, p.Glu321Ter (NM_001289094.2); short protein forms E276*, E290*, E321*, E236*, E310*, E330*, E350*.
Identifiers: ClinVar variation 2983466 (VCV002983466.4), dbSNP rs2481247309, ClinGen allele CA361251520.